The following is an entry in ClinVar:

NM_000038.6(APC):c.5352A>G (p.Glu1784=)

Gene: APC (APC regulator of Wnt signaling pathway; plus strand). Cytogenetic location: 5q22.2.
Variant type: single nucleotide variant.
Coding change: c.5352A>G on transcript NM_000038.6 (MANE Select); coding-DNA position 5352, A replaced by G.
Protein change: p.Glu1784=; no amino-acid change (glutamic acid 1784 retained).
Molecular consequence: synonymous variant. On other transcripts: non-coding transcript variant (2).
Genome position (GRCh38, 1-based): chr5:112,840,946, A>G. VCF-style: chr5-112840946-A-G. GRCh37 (hg19) VCF-style: chr5-112176643-A-G.
Other names: c.5352A>G, p.Glu1784= (NM_001127510.3, NM_001354895.2, NM_001407450.1); c.5298A>G, p.Glu1766= (NM_001127511.3); c.5406A>G, p.Glu1802= (NM_001354896.2, NM_001407447.1, NM_001407448.1 and 1 more transcripts); c.5382A>G, p.Glu1794= (NM_001354897.2); c.5277A>G, p.Glu1759= (NM_001354898.2); c.5268A>G, p.Glu1756= (NM_001354899.2); c.5229A>G, p.Glu1743= (NM_001354900.2); c.5175A>G, p.Glu1725= (NM_001354901.2, NM_001407453.1); and 11 more.
Identifiers: ClinVar variation 2969929 (VCV002969929.4), dbSNP rs2149938117, ClinGen allele CA446208812.

ClinVar aggregate classification (germline): Benign/Likely benign. Review status: criteria provided, multiple submitters, no conflicts (2 of 4 stars). 2 submissions from 2 submitters: Benign (1); Likely benign (1). Last evaluated 2024-04-02.

Conditions:
Familial adenomatous polyposis 1 (FAP1). Also called: FAMILIAL ADENOMATOUS POLYPOSIS 1, ATTENUATED; POLYPOSIS, ADENOMATOUS INTESTINAL. Identifiers: MedGen C2713442, MONDO:0021056, OMIM 175100. Disease mechanism: loss of function.

Submissions (2):

Myriad Genetics, Inc.
Classification: Benign for Familial adenomatous polyposis 1. Last evaluated: 2024-04-02. Review status: criteria provided, single submitter. Criteria: Myriad Autosomal Dominant, Autosomal Recessive and X-Linked Classification Criteria (2023). Collection method: clinical testing. Allele origin: unknown.
Comment: This variant is considered benign. This variant is a silent/synonymous amino acid change and it is not expected to impact splicing.

Labcorp Genetics (formerly Invitae), Labcorp
Classification: Likely benign for Familial adenomatous polyposis 1. Last evaluated: 2022-12-27. Review status: criteria provided, single submitter. Criteria: Invitae Variant Classification Sherloc (09022015). Collection method: clinical testing. Allele origin: germline.